The following is an entry in ClinVar:

ClinVar aggregate classification (germline): Conflicting classifications of pathogenicity. Review status: criteria provided, conflicting classifications (1 of 4 stars). 5 submissions from 5 submitters: Uncertain significance (3); Likely benign (2). Last evaluated 2025-11-21.

Conditions:
Hereditary spastic paraplegia. Also called: Familial spastic paraparesis. Identifiers: Orphanet 685, MedGen C0037773, MONDO:0019064. Disease mechanism: loss of function.
Spastic paraplegia. Identifiers: MedGen C0037772, HP:0001258.

Allele frequency attached by ClinVar (database versions not stated): gnomAD 0.00033 and 0.00035; TOPMed 0.00034; gnomAD exomes 0.00047 and 0.00057; ExAC 0.00050; ESP Exome Variant Server 0.00054.

Submissions (5):

Labcorp Genetics (formerly Invitae), Labcorp
Classification: Uncertain significance for Spastic paraplegia. Last evaluated: 2025-11-21. Review status: criteria provided, single submitter. Criteria: Invitae Variant Classification Sherloc (09022015). Collection method: clinical testing. Allele origin: germline.
Comment: This sequence change replaces asparagine, which is neutral and polar, with serine, which is neutral and polar, at codon 184 of the HSPD1 protein (p.Asn184Ser). This variant is present in population databases (rs67967266, gnomAD 0.08%), and has an allele count higher than expected for a pathogenic variant. This missense change has been observed in individual(s) with clinical features of hereditary spastic paraplegia (PMID: 28832565). ClinVar contains an entry for this variant (Variation ID: 424666). Invitae Evidence Modeling of protein sequence and biophysical properties (such as structural, functional, and spatial information, amino acid conservation, physicochemical variation, residue mobility, and thermodynamic stability) indicates that this missense variant is not expected to disrupt HSPD1 protein function with a negative predictive value of 80%. Experimental studies have shown that this missense change does not substantially affect HSPD1 function (PMID: 27630992). In summary, the available evidence is currently insufficient to determine the role of this variant in disease. Therefore, it has been classified as a Variant of Uncertain Significance.

Mayo Clinic Laboratories, Mayo Clinic
Classification: Likely benign. Last evaluated: 2024-12-09. Review status: criteria provided, single submitter. Criteria: ACMG Guidelines, 2015. Collection method: clinical testing. Allele origin: germline. Observed: 7 variant alleles.
Comment: BS1, BS4, BP4_moderate

Blueprint Genetics
Classification: Likely benign. Last evaluated: 2024-10-24. Review status: criteria provided, single submitter. Criteria: ACMG Guidelines, 2015. Collection method: clinical testing. Allele origin: germline.

Genome Diagnostics Laboratory, The Hospital for Sick Children
Classification: Uncertain significance for Hereditary spastic paraplegia. Last evaluated: 2020-03-01. Review status: criteria provided, single submitter. Criteria: ACMG Guidelines, 2015. Collection method: clinical testing. Allele origin: germline. Affected: yes.

Unit for Genetic & Epidemiological Research on Neurological Disorders, Instituto de Investigação e Inovação em Saúde
Classification: Uncertain significance for Hereditary spastic paraplegia. Last evaluated: 2017-03-07. Review status: criteria provided, single submitter. Criteria: Morais et al. (Eur J Hum Genet. 2017). Collection method: research. Allele origin: unknown. Affected: yes.

Literature cited by the submitters: PubMed 28832565 (cited by Labcorp Genetics (formerly Invitae), Labcorp); PubMed 27630992 (cited by Labcorp Genetics (formerly Invitae), Labcorp).

NM_002156.5(HSPD1):c.551A>G (p.Asn184Ser)

Gene: HSPD1 (heat shock protein family D (Hsp60) member 1; minus strand). Cytogenetic location: 2q33.1.
Variant type: single nucleotide variant.
Coding change: c.551A>G on transcript NM_002156.5 (MANE Select); coding-DNA position 551, A replaced by G.
Protein change: p.Asn184Ser; replaces asparagine 184 with serine.
Molecular consequence: missense variant.
Genome position (GRCh38, 1-based): chr2:197,494,712, T>C on the plus strand (A>G on the coding strand, the complement: HSPD1 is on the minus strand). VCF-style: chr2-197494712-T-C. GRCh37 (hg19) VCF-style: chr2-198359436-T-C.
Other names: p.Asn184Ser; c.551A>G, p.Asn184Ser (NM_199440.2); short protein forms N184S.
Identifiers: ClinVar variation 424666 (VCV000424666.12), dbSNP rs67967266, ClinGen allele CA2043565.